The following is an entry in ClinVar:

NM_003801.4(GPAA1):c.1232G>T (p.Gly411Val)

Gene: GPAA1 (glycosylphosphatidylinositol anchor attachment 1; plus strand). Cytogenetic location: 8q24.3.
Variant type: single nucleotide variant.
Coding change: c.1232G>T on transcript NM_003801.4 (MANE Select); coding-DNA position 1232, G replaced by T.
Protein change: p.Gly411Val; replaces glycine 411 with valine.
Molecular consequence: missense variant.
Genome position (GRCh38, 1-based): chr8:144,085,110, G>T. VCF-style: chr8-144085110-G-T. GRCh37 (hg19) VCF-style: chr8-145140013-G-T.
Other names: short protein forms G411V.
Identifiers: ClinVar variation 3365153 (VCV003365153.1).

ClinVar aggregate classification (germline): Uncertain significance (1 of 4 stars; one submission).

Submission:

GeneDx
Classification: Uncertain significance. Last evaluated: 2023-12-15. Review status: criteria provided, single submitter. Criteria: GeneDx Variant Classification Process June 2021. Collection method: clinical testing. Allele origin: germline. Affected: yes.
Comment: In silico analysis supports that this missense variant does not alter protein structure/function; Has not been previously published as pathogenic or benign to our knowledge